The following is an entry in ClinVar:

ClinVar aggregate classification (germline): Likely benign. Review status: criteria provided, multiple submitters, no conflicts (2 of 4 stars). 4 submissions from 4 submitters: Likely benign (4). Last evaluated 2024-09-23.

Conditions:
Familial thoracic aortic aneurysm and aortic dissection (TAAD). Also called: Thoracic aortic aneurysms and dissections. Identifiers: Orphanet 91387, MedGen C4707243, MONDO:0019625.
Loeys-Dietz syndrome (LDS). Identifiers: Orphanet 60030, MedGen C2697932, MONDO:0018954.

Allele frequency attached by ClinVar (database versions not stated): gnomAD exomes below 0.00001; TOPMed 0.00001.
gnomAD v4.1: 1 of 1,614,180 alleles (0.000062%); highest among the groups gnomAD compares: Non-Finnish European, 0.000085%; no homozygotes.

Submissions (4):

All of Us Research Program, National Institutes of Health
Classification: Likely benign for Loeys-Dietz syndrome. Last evaluated: 2024-09-23. Review status: criteria provided, single submitter. Criteria: ACMG Guidelines, 2015. Collection method: clinical testing. Allele origin: germline. Inheritance: Autosomal dominant inheritance. Observed: 2 variant alleles, 2 heterozygotes.
Comment: This study involves interpretation of variants in research participants for the purpose of population health screening. Participant phenotype was not available at the time of variant classification. Additional details can be found in publication PMID: 35346344, PMCID: PMC8962531

Color Diagnostics, LLC DBA Color Health
Classification: Likely benign for Familial thoracic aortic aneurysm and aortic dissection. Last evaluated: 2024-07-23. Review status: criteria provided, single submitter. Criteria: ACMG Guidelines, 2015. Collection method: clinical testing. Allele origin: germline.

Labcorp Genetics (formerly Invitae), Labcorp
Classification: Likely benign for Familial thoracic aortic aneurysm and aortic dissection. Last evaluated: 2024-02-17. Review status: criteria provided, single submitter. Criteria: Invitae Variant Classification Sherloc (09022015). Collection method: clinical testing. Allele origin: germline.

Blueprint Genetics
Classification: Likely benign. Last evaluated: 2022-12-14. Review status: criteria provided, single submitter. Criteria: ACMG Guidelines, 2015. Collection method: clinical testing. Allele origin: germline.

NM_004612.4(TGFBR1):c.414C>T (p.Cys138=)

Gene: TGFBR1 (transforming growth factor beta receptor 1; plus strand). Cytogenetic location: 9q22.33.
Variant type: single nucleotide variant.
Coding change: c.414C>T on transcript NM_004612.4 (MANE Select); coding-DNA position 414, C replaced by T.
Protein change: p.Cys138=; no amino-acid change (cysteine 138 retained).
Molecular consequence: synonymous variant. On other transcripts: intron variant (1).
Genome position (GRCh38, 1-based): chr9:99,132,579, C>T. VCF-style: chr9-99132579-C-T. GRCh37 (hg19) VCF-style: chr9-101894861-C-T.
Other names: c.426C>T, p.Cys142= (NM_001306210.2); c.343+3479C>T (NM_001130916.3).
Identifiers: ClinVar variation 1108005 (VCV001108005.11), dbSNP rs1827270962, ClinGen allele CA466648090.